The following is an entry in ClinVar:

NM_000169.3(GLA):c.982G>T (p.Gly328Trp)

Genes: GLA (galactosidase alpha; minus strand), RPL36A-HNRNPH2 (RPL36A-HNRNPH2 readthrough; plus strand). Cytogenetic location: Xq22.1.
Variant type: single nucleotide variant.
Coding change: c.982G>T on transcript NM_000169.3 (MANE Select); coding-DNA position 982, G replaced by T.
Protein change: p.Gly328Trp; replaces glycine 328 with tryptophan.
Molecular consequence: missense variant. On other transcripts: non-coding transcript variant (3), intron variant (2).
Genome position (GRCh38, 1-based): chrX:101,398,387, C>A on the plus strand (G>T on the coding strand, the complement: GLA is on the minus strand). VCF-style: chrX-101398387-C-A. GRCh37 (hg19) VCF-style: chrX-100653375-C-A.
Other names: c.1105G>T, p.Gly369Trp (NM_001406747.1); c.982G>T, p.Gly328Trp (NM_001406748.1); c.300+2930C>A (NM_001199973.2); c.177+6565C>A (NM_001199974.2); short protein forms G328W, G369W.
Identifiers: ClinVar variation 4087613 (VCV004087613.2).

ClinVar aggregate classification (germline): Likely pathogenic (1 of 4 stars; one submission).

Conditions:
Fabry disease. Also called: ALPHA-GALACTOSIDASE A DEFICIENCY; ANDERSON-FABRY DISEASE; CERAMIDE TRIHEXOSIDASE DEFICIENCY; GLA DEFICIENCY; HEREDITARY DYSTOPIC LIPIDOSIS; Angiokeratoma corporis diffusum. Identifiers: Orphanet 324, MedGen C0002986, MONDO:0010526, OMIM 301500, HP:0001071. Disease mechanism: Fabry disease is due to inactivating mutations in the X-linked GLA gene resulting in deficiency of the enzyme Alpha Galactosidase-A., loss of function.

Submission:

Genomenon, Inc
Classification: Likely pathogenic for Fabry disease. Last evaluated: 2026-09-08. Review status: criteria provided, single submitter. Criteria: Genomenon Sequence Variant Interpretation Standards - Updated. Collection method: curation. Allele origin: germline. Affected: yes.
Comment: GLA p.Gly328Trp (c.982G>T) is a missense variant that changes the amino acid at codon 328 from Glycine to Tryptophan. This variant has been observed in at least one proband with clinical features consistent with Fabry disease (PMID:25511234). At least one functional study has demonstrated a substantial alteration in protein function relative to the wild-type (PMID:27657681). It is absent or not present at a significant frequency in gnomAD. In silico models predict that this variant is possibly or probably damaging. In conclusion, we classify GLA p.Gly328Trp (c.982G>T) as a likely pathogenic variant.

Literature cited by the submitters: PubMed 25511234; PubMed 27657681.